The following is an entry in ClinVar:

ClinVar aggregate classification (germline): Uncertain significance. Review status: criteria provided, multiple submitters, no conflicts (2 of 4 stars). 3 submissions from 3 submitters: Uncertain significance (3). Last evaluated 2025-05-30.

Conditions:
Inborn genetic diseases. Identifiers: MedGen C0950123, MeSH D030342.

Allele frequency attached by ClinVar (database versions not stated): ExAC 0.00002; gnomAD exomes 0.00003.
gnomAD v4.1: 42 of 1,613,914 alleles (0.0026%); highest among the groups gnomAD compares: East Asian, 0.0045%; no homozygotes.

Submissions (3):

Ambry Genetics
Classification: Uncertain significance for Inborn genetic diseases. Last evaluated: 2025-05-30. Review status: criteria provided, single submitter. Criteria: Ambry Variant Classification Scheme 2023. Collection method: clinical testing. Allele origin: germline.

Labcorp Genetics (formerly Invitae), Labcorp
Classification: Uncertain significance. Last evaluated: 2025-05-01. Review status: criteria provided, single submitter. Criteria: Invitae Variant Classification Sherloc (09022015). Collection method: clinical testing. Allele origin: germline.
Comment: This sequence change replaces arginine, which is basic and polar, with glutamine, which is neutral and polar, at codon 228 of the CD2AP protein (p.Arg228Gln). This variant is present in population databases (rs756790635, gnomAD 0.006%). This variant has not been reported in the literature in individuals affected with CD2AP-related conditions. ClinVar contains an entry for this variant (Variation ID: 1919555). Invitae Evidence Modeling of protein sequence and biophysical properties (such as structural, functional, and spatial information, amino acid conservation, physicochemical variation, residue mobility, and thermodynamic stability) indicates that this missense variant is not expected to disrupt CD2AP protein function with a negative predictive value of 80%. In summary, the available evidence is currently insufficient to determine the role of this variant in disease. Therefore, it has been classified as a Variant of Uncertain Significance.

Blueprint Genetics
Classification: Uncertain significance. Last evaluated: 2024-11-13. Review status: criteria provided, single submitter. Criteria: ACMG Guidelines, 2015. Collection method: clinical testing. Allele origin: germline.

NM_012120.3(CD2AP):c.683G>A (p.Arg228Gln)

Gene: CD2AP (CD2 associated protein; plus strand). Cytogenetic location: 6p12.3.
Variant type: single nucleotide variant.
Coding change: c.683G>A on transcript NM_012120.3 (MANE Select); coding-DNA position 683, G replaced by A.
Protein change: p.Arg228Gln; replaces arginine 228 with glutamine.
Molecular consequence: missense variant.
Genome position (GRCh38, 1-based): chr6:47,574,205, G>A. VCF-style: chr6-47574205-G-A. GRCh37 (hg19) VCF-style: chr6-47541941-G-A.
Other names: c.683G>A (NM_012120.2); short protein forms R228Q.
Identifiers: ClinVar variation 1919555 (VCV001919555.7), dbSNP rs756790635, ClinGen allele CA3844056.